The following is an entry in ClinVar:

NM_001844.5(COL2A1):c.1681-6A>G

Gene: COL2A1 (collagen type II alpha 1 chain; minus strand). Cytogenetic location: 12q13.11.
Variant type: single nucleotide variant.
Coding change: c.1681-6A>G on transcript NM_001844.5 (MANE Select); 6 bases into the intron before coding-DNA position 1681, A replaced by G.
Molecular consequence: intron variant.
Genome position (GRCh38, 1-based): chr12:47,985,593, T>C on the plus strand (A>G on the coding strand, the complement: COL2A1 is on the minus strand). VCF-style: chr12-47985593-T-C. GRCh37 (hg19) VCF-style: chr12-48379376-T-C.
Other names: c.1474-6A>G (NM_033150.3).
Identifiers: ClinVar variation 283379 (VCV000283379.12), dbSNP rs778019716, ClinGen allele CA6535409.

ClinVar aggregate classification (germline): Uncertain significance. Review status: criteria provided, multiple submitters, no conflicts (2 of 4 stars). 2 submissions from 2 submitters: Uncertain significance (2). Last evaluated 2022-07-05.

Allele frequency attached by ClinVar (database versions not stated): gnomAD exomes below 0.00001 and 0.00001; ExAC 0.00001; gnomAD 0.00002; TOPMed 0.00003.
gnomAD v4.1: 9 of 1,613,812 alleles (0.00056%); highest among the groups gnomAD compares: African/African-American, 0.004%; no homozygotes.

Submissions (2):

Labcorp Genetics (formerly Invitae), Labcorp
Classification: Uncertain significance. Last evaluated: 2022-07-05. Review status: criteria provided, single submitter. Criteria: Invitae Variant Classification Sherloc (09022015). Collection method: clinical testing. Allele origin: germline.
Comment: This sequence change falls in intron 25 of the COL2A1 gene. It does not directly change the encoded amino acid sequence of the COL2A1 protein. This variant is present in population databases (rs778019716, gnomAD 0.01%). This variant has not been reported in the literature in individuals affected with COL2A1-related conditions. ClinVar contains an entry for this variant (Variation ID: 283379). Algorithms developed to predict the effect of sequence changes on RNA splicing suggest that this variant may create or strengthen a splice site. In summary, the available evidence is currently insufficient to determine the role of this variant in disease. Therefore, it has been classified as a Variant of Uncertain Significance.

Eurofins Ntd Llc (ga)
Classification: Uncertain significance. Last evaluated: 2015-10-12. Review status: criteria provided, single submitter. Criteria: EGL Classification Definitions 2015. Collection method: clinical testing. Allele origin: germline. Observed: 1 variant allele, 1 heterozygote.